The following is an entry in ClinVar:

ClinVar aggregate classification (germline): Conflicting classifications of pathogenicity. Review status: criteria provided, conflicting classifications (1 of 4 stars). 2 submissions from 2 submitters: Likely pathogenic (1); Uncertain significance (1). Last evaluated 2025-11-26.

Conditions:
Neurodevelopmental disorder with speech impairment and with or without seizures. Also called: Neurodevelopmental disorder with variable intellectual disability and speech impairment, with or without seizures. Identifiers: MedGen C5774252, MONDO:0859313, OMIM 620114.
CACNA1I-related disorder. Also called: CACNA1I-related condition.

gnomAD v4.1: 1 of 1,613,898 alleles (0.000062%); highest among the groups gnomAD compares: East Asian, 0.0022%; no homozygotes.

Submissions (2):

Institute of Human Genetics, Heidelberg University
Classification: Likely pathogenic for Neurodevelopmental disorder with speech impairment and with or without seizures. Last evaluated: 2025-11-26. Review status: criteria provided, single submitter. Criteria: ACMG Guidelines, 2015. Collection method: clinical testing. Allele origin: unknown. Affected: yes. Observed: 1 variant allele.
Comment: PM2_supp; PP3_s; PP2

PreventionGenetics, part of Exact Sciences
Classification: Uncertain significance for CACNA1I-related condition. Last evaluated: 2025-11-06. Review status: criteria provided, single submitter. Criteria: ACMG Guidelines, 2015. Collection method: clinical testing. Allele origin: germline.
Comment: The CACNA1I c.2059A>G variant is predicted to result in the amino acid substitution p.Met687Val. To our knowledge, this variant has not been reported in the literature. This variant is reported in 0.0056% of alleles in individuals of East Asian descent in gnomAD. At this time, the clinical significance of this variant is uncertain due to the absence of conclusive functional and genetic evidence.

NM_021096.4(CACNA1I):c.2059A>G (p.Met687Val)

Gene: CACNA1I (calcium voltage-gated channel subunit alpha1 I; plus strand). Cytogenetic location: 22q13.1.
Variant type: single nucleotide variant.
Coding change: c.2059A>G on transcript NM_021096.4 (MANE Select); coding-DNA position 2059, A replaced by G.
Protein change: p.Met687Val; replaces methionine 687 with valine.
Molecular consequence: missense variant.
Genome position (GRCh38, 1-based): chr22:39,658,218, A>G. VCF-style: chr22-39658218-A-G. GRCh37 (hg19) VCF-style: chr22-40054223-A-G.
Other names: c.1954A>G, p.Met652Val (NM_001003406.2); c.2059A>G (NM_021096.3); short protein forms M652V, M687V.
Identifiers: ClinVar variation 4684984 (VCV004684984.2).